The following is an entry in ClinVar:

ClinVar aggregate classification (germline): Uncertain significance. Review status: criteria provided, multiple submitters, no conflicts (2 of 4 stars). 2 submissions from 2 submitters: Uncertain significance (2). Last evaluated 2025-01-24.

Conditions:
Inborn genetic diseases. Identifiers: MedGen C0950123, MeSH D030342.

Allele frequency attached by ClinVar (database versions not stated): ExAC 0.00006; gnomAD exomes 0.00006.
gnomAD v4.1: 173 of 1,614,042 alleles (0.011%); highest among the groups gnomAD compares: Non-Finnish European, 0.013%; no homozygotes.

Submissions (2):

Ambry Genetics
Classification: Uncertain significance for Inborn genetic diseases. Last evaluated: 2025-01-24. Review status: criteria provided, single submitter. Criteria: Ambry Variant Classification Scheme 2023. Collection method: clinical testing. Allele origin: germline.

Labcorp Genetics (formerly Invitae), Labcorp
Classification: Uncertain significance. Last evaluated: 2022-03-22. Review status: criteria provided, single submitter. Criteria: Invitae Variant Classification Sherloc (09022015). Collection method: clinical testing. Allele origin: germline.
Comment: In summary, the available evidence is currently insufficient to determine the role of this variant in disease. Therefore, it has been classified as a Variant of Uncertain Significance. Algorithms developed to predict the effect of missense changes on protein structure and function (SIFT, PolyPhen-2, Align-GVGD) all suggest that this variant is likely to be tolerated. This variant has not been reported in the literature in individuals affected with LAMA1-related conditions. This variant is present in population databases (rs771807858, gnomAD 0.01%). This sequence change replaces serine, which is neutral and polar, with leucine, which is neutral and non-polar, at codon 2924 of the LAMA1 protein (p.Ser2924Leu).

NM_005559.4(LAMA1):c.8771C>T (p.Ser2924Leu)

Gene: LAMA1 (laminin subunit alpha 1; minus strand). Cytogenetic location: 18p11.31.
Variant type: single nucleotide variant.
Coding change: c.8771C>T on transcript NM_005559.4 (MANE Select); coding-DNA position 8771, C replaced by T.
Protein change: p.Ser2924Leu; replaces serine 2924 with leucine.
Molecular consequence: missense variant.
Genome position (GRCh38, 1-based): chr18:6,947,236, G>A on the plus strand (C>T on the coding strand, the complement: LAMA1 is on the minus strand). VCF-style: chr18-6947236-G-A. GRCh37 (hg19) VCF-style: chr18-6947235-G-A.
Other names: c.8771C>T (NM_005559.3); short protein forms S2924L.
Identifiers: ClinVar variation 1412654 (VCV001412654.7), dbSNP rs771807858, ClinGen allele CA8880354.